The following is an entry in ClinVar:

ClinVar aggregate classification (germline): Likely pathogenic (1 of 4 stars; one submission).

Conditions:
Charcot-Marie-Tooth disease type 4B2. Also called: Charcot-Marie-Tooth Neuropathy Type 4B2; CMT 4B2; CHARCOT-MARIE-TOOTH DISEASE, DEMYELINATING, TYPE 4B2; CHARCOT-MARIE-TOOTH DISEASE, WITH FOCALLY FOLDED MYELIN SHEATHS, AUTOSOMAL RECESSIVE, TYPE 4B2. Identifiers: Orphanet 99956, MedGen C1858278, MONDO:0011475, OMIM 604563.

Submission:

Diagnostics Services (NGS), CSIR - Centre For Cellular And Molecular Biology
Classification: Likely pathogenic for Charcot-Marie-Tooth disease type 4B2. Last evaluated: 2023-05-04. Review status: criteria provided, single submitter. Criteria: ACMG Guidelines, 2015. Collection method: clinical testing. Allele origin: germline. Affected: yes. Observed: 1 variant allele, 1 homozygote.
Comment: The c.815dup variation is not present in publicly available population databases like 1000 Genomes, ExAC, EVS, Indian Exome Database or our in-house exome database. The variant has neither been published in literature nor reported to clinical databases like in ClinVar, Human Gene Mutation Database (HGMD) or OMIM, in any affected individuals. In silico pathogenicity prediction programs like MutationTaster2, CADD, Varsome, Franklin etc predicted this variant to be likely deleterious. This variant causes frameshift at the 273rd amino acid position of the wild-type transcript which creates a premature translational stop signal in the altered transcript that may either result in translation of a truncated protein or cause nonsense-mediated decay of the mRNA.

NM_030962.4(SBF2):c.815dup (p.Ile273fs)

Gene: SBF2 (SET binding factor 2; minus strand). Cytogenetic location: 11p15.4.
Variant type: Duplication.
Coding change: c.815dup on transcript NM_030962.4 (MANE Select); coding-DNA position 815, one base duplicated (T; older notation c.815dupT).
Protein change: p.Ile273fs; shifts the reading frame from isoleucine 273.
Molecular consequence: frameshift variant.
Genome position (GRCh38, 1-based): chr11:10,000,960, A duplicated on the plus strand (T on the coding strand, the reverse complement: SBF2 is on the minus strand); the first of 3 consecutive A bases (chr11:10,000,960-10,000,962); duplicating any one gives the same sequence. VCF-style (leftmost placement, unchanged base first): chr11-10000959-G-GA. GRCh37 (hg19) VCF-style: chr11-10022506-G-GA.
Other names: c.815dup, p.Ile273fs (NM_001386339.1, NM_001386342.1); short protein forms I273fs.
Identifiers: ClinVar variation 2505355 (VCV002505355.2), dbSNP rs2496176112, ClinGen allele CA2580615632.
Genomic context (GRCh38, chr11:10,000,959, plus strand): 5'-AAGATGAATACTTACAAGTTCATGGACATCAGTTTTAAAGACAGAATGTACTCCAATAAT[G>GA]AAAGGCGTTGGGGAACTTAGAACTTCCAGTAGCTGAGCCGGGAGAATAGGGATATAAGGA-3'